The following is an entry in ClinVar:

ClinVar aggregate classification (germline): Uncertain significance. Review status: criteria provided, multiple submitters, no conflicts (2 of 4 stars). 2 submissions from 2 submitters: Uncertain significance (2). Last evaluated 2026-02-04.

Conditions:
Peroxisome biogenesis disorder 5A (Zellweger) (PBD5A). Identifiers: Orphanet 912, MedGen C3553940, MONDO:0013932, OMIM 614866.
PEX2-related disorder. Also called: PEX2-related condition.

Allele frequency attached by ClinVar (database versions not stated): gnomAD exomes below 0.00001; TOPMed below 0.00001; ExAC 0.00001; gnomAD 0.00001.
gnomAD v4.1: 6 of 1,613,978 alleles (0.00037%); highest among the groups gnomAD compares: Admixed American, 0.0067%; no homozygotes.

Submissions (2):

PreventionGenetics, part of Exact Sciences
Classification: Uncertain significance for PEX2-related condition. Last evaluated: 2026-02-04. Review status: criteria provided, single submitter. Criteria: ACMG Guidelines, 2015. Collection method: clinical testing. Allele origin: germline.
Comment: The PEX2 c.601G>A variant is predicted to result in the amino acid substitution p.Ala201Thr. To our knowledge, this variant has not been reported in the literature. This variant is reported in 0.0087% of alleles in individuals of Latino descent in gnomAD. At this time, the clinical significance of this variant is uncertain due to the absence of conclusive functional and genetic evidence.

Labcorp Genetics (formerly Invitae), Labcorp
Classification: Uncertain significance for Peroxisome biogenesis disorder 5A (Zellweger). Last evaluated: 2022-10-17. Review status: criteria provided, single submitter. Criteria: Invitae Variant Classification Sherloc (09022015). Collection method: clinical testing. Allele origin: germline.
Comment: This sequence change replaces alanine, which is neutral and non-polar, with threonine, which is neutral and polar, at codon 201 of the PEX2 protein (p.Ala201Thr). This variant is present in population databases (rs747167885, gnomAD 0.009%). This variant has not been reported in the literature in individuals affected with PEX2-related conditions. Advanced modeling of protein sequence and biophysical properties (such as structural, functional, and spatial information, amino acid conservation, physicochemical variation, residue mobility, and thermodynamic stability) performed at Invitae indicates that this missense variant is not expected to disrupt PEX2 protein function. In summary, the available evidence is currently insufficient to determine the role of this variant in disease. Therefore, it has been classified as a Variant of Uncertain Significance.

NM_000318.3(PEX2):c.601G>A (p.Ala201Thr)

Gene: PEX2 (peroxisomal biogenesis factor 2; minus strand). Cytogenetic location: 8q21.13.
Variant type: single nucleotide variant.
Coding change: c.601G>A on transcript NM_000318.3 (MANE Select); coding-DNA position 601, G replaced by A.
Protein change: p.Ala201Thr; replaces alanine 201 with threonine.
Molecular consequence: missense variant.
Genome position (GRCh38, 1-based): chr8:76,983,578, C>T on the plus strand (G>A on the coding strand, the complement: PEX2 is on the minus strand). VCF-style: chr8-76983578-C-T. GRCh37 (hg19) VCF-style: chr8-77895814-C-T.
Other names: c.601G>A (NM_000318.2); c.601G>A, p.Ala201Thr (NM_001079867.2, NM_001172086.2, NM_001172087.2); short protein forms A201T.
Identifiers: ClinVar variation 2080143 (VCV002080143.2), dbSNP rs747167885, ClinGen allele CA4788682.